The following is an entry in ClinVar:

ClinVar aggregate classification (germline): Uncertain significance (1 of 4 stars; one submission).

gnomAD v4.1: 22 of 1,613,940 alleles (0.0014%); highest among the groups gnomAD compares: Non-Finnish European, 0.0019%; no homozygotes.

Submission:

Women's Health and Genetics/Laboratory Corporation of America, LabCorp
Classification: Uncertain significance. Last evaluated: 2024-07-11. Review status: criteria provided, single submitter. Criteria: LabCorp Variant Classification Summary - May 2015. Collection method: clinical testing. Allele origin: germline.
Comment: Variant summary: CNGA3 c.1256C>T (p.Ser419Phe) results in a non-conservative amino acid change in the encoded protein sequence. Three of five in-silico tools predict a damaging effect of the variant on protein function. The variant was absent in 250380 control chromosomes (gnomAD). c.1256C>T has been reported in the literature in at least one compound heterozygous individual affected with Achromatopsia 2 (Patel_2019). These data do not allow clear conclusions about variant significance. At least one publication reports experimental evidence evaluating an impact on protein function, and demonstrated decreased function for the variant protein (Solaki_2023). The following publications have been ascertained in the context of this evaluation (PMID: 30653986, 37689994). No submitters have cited clinical-significance assessments for this variant to ClinVar. Based on the evidence outlined above, the variant was classified as VUS-possibly pathogenic.

Literature cited by the submitters: PubMed 30653986; PubMed 37689994.

NM_001298.3(CNGA3):c.1256C>T (p.Ser419Phe)

Gene: CNGA3 (cyclic nucleotide gated channel subunit alpha 3; plus strand). Cytogenetic location: 2q11.2.
Variant type: single nucleotide variant.
Coding change: c.1256C>T on transcript NM_001298.3 (MANE Select); coding-DNA position 1256, C replaced by T.
Protein change: p.Ser419Phe; replaces serine 419 with phenylalanine.
Molecular consequence: missense variant.
Genome position (GRCh38, 1-based): chr2:98,396,426, C>T. VCF-style: chr2-98396426-C-T. GRCh37 (hg19) VCF-style: chr2-99012889-C-T.
Other names: c.1202C>T, p.Ser401Phe (NM_001079878.2); short protein forms S401F, S419F.
Identifiers: ClinVar variation 3338944 (VCV003338944.1).
Genomic context (GRCh38, chr2:98,396,426, plus strand): 5'-TGGGCTCCATGATCTCGAATATGAATGCCTCACGGGCAGAGTTCCAGGCCAAGATTGATT[C>T]CATCAAGCAGTACATGCAGTTCCGCAAGGTCACCAAGGACTTGGAGACGCGGGTTATCCG-3'
Protein context (NP_001289.1, residues 409-429): SRAEFQAKID[Ser419Phe]IKQYMQFRKV